The following is an entry in ClinVar:

NC_012920.1(MT-ND5):m.13928G>C

Gene: MT-ND5 (mitochondrially encoded NADH dehydrogenase 5; plus strand).
Variant type: single nucleotide variant.
Genome position: chrM-13928-G-C.
Identifiers: ClinVar variation 693635 (VCV000693635.2), dbSNP rs28359184, ClinGen allele CA337099856.
Genomic context (GRCh38, chrMT:13,928, plus strand): 5'-TTAAAATAAAATCCCCACTATGCACATTTTATTTCTCCAACATACTCGGATTCTACCCTA[G>C]CATCACACACCGCACAATCCCCTATCTAGGCCTTCTTACGAGCCAAAACCTGCCCCTACT-3'

ClinVar aggregate classification (germline): Benign/Likely benign. Review status: criteria provided, multiple submitters, no conflicts (2 of 4 stars). 2 submissions from 2 submitters: Benign (1); Likely benign (1). Last evaluated 2025-02-16.

Conditions:
Leigh syndrome (NULS). Also called: Leigh's necrotizing encephalopathy; Leigh's disease; Leigh's syndrome; LEIGH SYNDROME, NUCLEAR; Leigh Syndrome (mtDNA deletion); Leigh Disease. Identifiers: Orphanet 506, MedGen C2931891, MONDO:0009723, OMIM 256000.

Submissions (2):

Laboratory of Genetics, Children's Clinical University Hospital Latvia
Classification: Likely benign. Last evaluated: 2025-02-16. Review status: criteria provided, single submitter. Criteria: ACMG Guidelines, 2015. Collection method: clinical testing. Allele origin: germline. Affected: yes.

Wong Mito Lab, Molecular and Human Genetics, Baylor College of Medicine
Classification: Benign for Leigh syndrome. Last evaluated: 2019-10-17. Review status: criteria provided, single submitter. Criteria: Modified ACMG Guidelines (Unpublished). Collection method: clinical testing. Allele origin: germline.
Comment: The NC_012920.1:m.13928G>C (YP_003024036.1:p.Ser531Thr) variant in MTND5 gene is interpretated to be a Benign variant based on the modified ACMG guidelines (unpublished). This variant meets the following evidence codes: BA1